The following is an entry in ClinVar:

NM_003846.3(PEX11B):c.7G>A (p.Ala3Thr)

Gene: PEX11B (peroxisomal biogenesis factor 11 beta; minus strand). Cytogenetic location: 1q21.1.
Variant type: single nucleotide variant.
Coding change: c.7G>A on transcript NM_003846.3 (MANE Select); coding-DNA position 7, G replaced by A.
Protein change: p.Ala3Thr; replaces alanine 3 with threonine.
Molecular consequence: missense variant. On other transcripts: non-coding transcript variant (2).
Genome position (GRCh38, 1-based): chr1:145,918,682, C>T on the plus strand (G>A on the coding strand, the complement: PEX11B is on the minus strand). VCF-style: chr1-145918682-C-T. GRCh37 (hg19) VCF-style: chr1-145516407-G-A.
Other names: c.7G>A (NM_003846.2); short protein forms A3T.
Identifiers: ClinVar variation 1522071 (VCV001522071.5), dbSNP rs782329300, ClinGen allele CA1055463.

ClinVar aggregate classification (germline): Uncertain significance. Review status: criteria provided, multiple submitters, no conflicts (2 of 4 stars). 2 submissions from 2 submitters: Uncertain significance (2). Last evaluated 2024-11-27.

Conditions:
Inborn genetic diseases. Identifiers: MedGen C0950123, MeSH D030342.

Allele frequency attached by ClinVar (database versions not stated): TOPMed below 0.00001; ExAC 0.00004.

Submissions (2):

Ambry Genetics
Classification: Uncertain significance for Inborn genetic diseases. Last evaluated: 2024-11-27. Review status: criteria provided, single submitter. Criteria: Ambry Variant Classification Scheme 2023. Collection method: clinical testing. Allele origin: germline.

Labcorp Genetics (formerly Invitae), Labcorp
Classification: Uncertain significance. Last evaluated: 2022-02-27. Review status: criteria provided, single submitter. Criteria: Invitae Variant Classification Sherloc (09022015). Collection method: clinical testing. Allele origin: germline.
Comment: In summary, the available evidence is currently insufficient to determine the role of this variant in disease. Therefore, it has been classified as a Variant of Uncertain Significance. Algorithms developed to predict the effect of missense changes on protein structure and function (SIFT, PolyPhen-2, Align-GVGD) all suggest that this variant is likely to be tolerated. This variant has not been reported in the literature in individuals affected with PEX11B-related conditions. The frequency data for this variant in the population databases is considered unreliable, as metrics indicate poor data quality at this position in the gnomAD database. This sequence change replaces alanine, which is neutral and non-polar, with threonine, which is neutral and polar, at codon 3 of the PEX11B protein (p.Ala3Thr).